The following is an entry in ClinVar:

ClinVar aggregate classification (germline): Pathogenic (1 of 4 stars; one submission).

Submission:

GeneDx
Classification: Pathogenic. Last evaluated: 2025-03-21. Review status: criteria provided, single submitter. Criteria: GeneDx Variant Classification Process June 2021. Collection method: clinical testing. Allele origin: germline. Affected: yes.
Comment: Frameshift variant predicted to result in protein truncation or nonsense mediated decay in a gene for which loss of function is a known mechanism of disease; Not observed at significant frequency in large population cohorts (gnomAD); Has not been previously published as pathogenic or benign to our knowledge

NM_194277.3(FRMD7):c.206delA (p.Asn69fs)

Gene: FRMD7 (FERM domain containing 7; minus strand). Cytogenetic location: Xq26.2.
Variant type: Deletion.
Coding change: c.206delA on transcript NM_194277.3 (MANE Select); coding-DNA position 206, one base deleted (A).
Protein change: p.Asn69fs; shifts the reading frame from asparagine 69.
Molecular consequence: frameshift variant. On other transcripts: intron variant (1).
Genome position (GRCh38, 1-based): chrX:132,097,344, T deleted on the plus strand (A on the coding strand, the reverse complement: FRMD7 is on the minus strand). VCF-style (leftmost placement, unchanged base first): chrX-132097343-AT-A. GRCh37 (hg19) VCF-style: chrX-131231371-AT-A.
Other names: c.206delA, p.Asn69Ilefs (NM_194277.2); c.206-45del (NM_001306193.2); short protein forms N69fs.
Identifiers: ClinVar variation 4086743 (VCV004086743.1).